The following is an entry in ClinVar:

ClinVar aggregate classification (germline): Likely benign. Review status: criteria provided, multiple submitters, no conflicts (2 of 4 stars). 3 submissions from 3 submitters: Likely benign (2). 1 of the submissions does not count toward it. Last evaluated 2025-07-17.

Conditions:
TSC2-related disorder. Also called: TSC2-Related Disorders; TSC2-related condition.
Tuberous sclerosis 2 (TSC2). Identifiers: Orphanet 805, MedGen C1860707, MONDO:0013199, OMIM 613254.

Allele frequency attached by ClinVar (database versions not stated): gnomAD exomes below 0.00001; ExAC 0.00001.
gnomAD v4.1: 1 of 1,613,038 alleles (0.000062%); highest among the groups gnomAD compares: Non-Finnish European, 0.000085%; no homozygotes.

Submissions (3):

Labcorp Genetics (formerly Invitae), Labcorp
Classification: Likely benign for Tuberous sclerosis 2. Last evaluated: 2025-07-17. Review status: criteria provided, single submitter. Criteria: Invitae Variant Classification Sherloc (09022015). Collection method: clinical testing. Allele origin: germline.

Blueprint Genetics
Classification: Likely benign. Last evaluated: 2024-03-12. Review status: criteria provided, single submitter. Criteria: ACMG Guidelines, 2015. Collection method: clinical testing. Allele origin: germline.

PreventionGenetics, part of Exact Sciences
Classification: Likely benign for TSC2-related condition. Last evaluated: 2022-05-20. Review status: no assertion criteria provided. Collection method: clinical testing. Allele origin: germline. Not counted in ClinVar's aggregate classification.
Comment: This variant is classified as likely benign based on ACMG/AMP sequence variant interpretation guidelines (Richards et al. 2015 PMID: 25741868, with internal and published modifications).

NM_000548.5(TSC2):c.5160+20G>A

Gene: TSC2 (TSC complex subunit 2; plus strand). Cytogenetic location: 16p13.3.
Variant type: single nucleotide variant.
Coding change: c.5160+20G>A on transcript NM_000548.5 (MANE Select); 20 bases into the intron after coding-DNA position 5160, G replaced by A.
Molecular consequence: intron variant.
Genome position (GRCh38, 1-based): chr16:2,088,159, G>A. VCF-style: chr16-2088159-G-A. GRCh37 (hg19) VCF-style: chr16-2138160-G-A.
Other names: c.5160+20G>A (NM_000548.4); c.5091+20G>A (NM_001114382.3); c.5031+20G>A (NM_021055.3, NM_001370405.1); c.4962+20G>A (NM_001363528.2); c.5028+20G>A (NM_001370404.1); c.4959+20G>A (NM_001077183.3); c.4851+20G>A (NM_001318827.2); c.4428+20G>A (NM_001318831.2); and 2 more.
Identifiers: ClinVar variation 1959577 (VCV001959577.8), dbSNP rs779507492, ClinGen allele CA054107.
Genomic context (GRCh38, chr16:2,088,159, plus strand): 5'-ACCTGCCCTTCGTGGCCCGCCAGATGGCCCTGCACGCAAATGTGAGTGGGGGTGGGTCCA[G>A]GCGTGAGCTGGTGGGACAGGCCCAGGTGCCACCTGATAGTGAGCTCACCCCCTGCCTACG-3'